The following is an entry in ClinVar:

NM_032043.3(BRIP1):c.205+162T>C

Gene: BRIP1 (BRCA1 interacting DNA helicase 1; minus strand). Cytogenetic location: 17q23.2.
Variant type: single nucleotide variant.
Coding change: c.205+162T>C on transcript NM_032043.3 (MANE Select); 162 bases into the intron after coding-DNA position 205, T replaced by C.
Molecular consequence: intron variant.
Genome position (GRCh38, 1-based): chr17:61,859,634, A>G on the plus strand (T>C on the coding strand, the complement: BRIP1 is on the minus strand). VCF-style: chr17-61859634-A-G. GRCh37 (hg19) VCF-style: chr17-59936995-A-G.
Identifiers: ClinVar variation 679764 (VCV000679764.1), dbSNP rs191637671, ClinGen allele CA292281251.

ClinVar aggregate classification (germline): Likely benign (1 of 4 stars; one submission).

Allele frequency attached by ClinVar (database versions not stated): 1000 Genomes Project 0.00240; 1000 Genomes Project 30x 0.00250; TOPMed 0.00549; gnomAD 0.00737 and 0.00751.
gnomAD v4.1: 1,111 of 152,374 alleles (0.73%); highest among the groups gnomAD compares: Non-Finnish European, 1.1%; 3 homozygotes.

Submission:

GeneDx
Classification: Likely benign. Last evaluated: 2018-06-18. Review status: criteria provided, single submitter. Criteria: GeneDx Variant Classification (06012015). Collection method: clinical testing. Allele origin: germline. Affected: yes.
Comment: This variant is considered likely benign or benign based on one or more of the following criteria: it is a conservative change, it occurs at a poorly conserved position in the protein, it is predicted to be benign by multiple in silico algorithms, and/or has population frequency not consistent with disease.